The following is an entry in ClinVar:

ClinVar aggregate classification (germline): Conflicting classifications of pathogenicity. Review status: criteria provided, conflicting classifications (1 of 4 stars). 3 submissions from 3 submitters: Uncertain significance (2); Benign (1). Last evaluated 2025-04-08.

Conditions:
Congenital contractural arachnodactyly (CCA). Also called: Beals-Hecht syndrome; BEALS SYNDROME; Arthrogryposis, distal, type 9. Identifiers: Orphanet 115, MedGen C0220668, MONDO:0007363, OMIM 121050.
Familial thoracic aortic aneurysm and aortic dissection (TAAD). Also called: Thoracic aortic aneurysms and dissections. Identifiers: Orphanet 91387, MedGen C4707243, MONDO:0019625.

Allele frequency attached by ClinVar (database versions not stated): gnomAD 0.00003 and 0.00004; gnomAD exomes 0.00004; TOPMed 0.00004; ExAC 0.00002.
gnomAD v4.1: 24 of 1,613,820 alleles (0.0015%); highest among the groups gnomAD compares: Admixed American, 0.01%; no homozygotes.

Submissions (3):

Labcorp Genetics (formerly Invitae), Labcorp
Classification: Benign for Congenital contractural arachnodactyly. Last evaluated: 2025-04-08. Review status: criteria provided, single submitter. Criteria: Invitae Variant Classification Sherloc (09022015). Collection method: clinical testing. Allele origin: germline.

Ambry Genetics
Classification: Uncertain significance for Familial thoracic aortic aneurysm and aortic dissection. Last evaluated: 2023-11-30. Review status: criteria provided, single submitter. Criteria: Ambry Variant Classification Scheme 2023. Collection method: clinical testing. Allele origin: germline.
Comment: The p.E1265K variant (also known as c.3793G>A), located in coding exon 29 of the FBN2 gene, results from a G to A substitution at nucleotide position 3793. The glutamic acid at codon 1265 is replaced by lysine, an amino acid with similar properties. This alteration was reported in a thoracic aortic aneurysm and dissection (TAAD) cohort (Wooderchak-Donahue W et al. Am J Med Genet A, 2015 Aug;167A:1747-57). This amino acid position is highly conserved in available vertebrate species. In addition, this alteration is predicted to be deleterious by in silico analysis. Since supporting evidence is limited at this time, the clinical significance of this alteration remains unclear.

GeneDx
Classification: Uncertain significance. Last evaluated: 2018-12-26. Review status: criteria provided, single submitter. Criteria: GeneDx Variant Classification (06012015). Collection method: clinical testing. Allele origin: germline. Affected: yes.
Comment: p.Glu1265Lys (E1265K) GAA>AAA: c.3793 G>A in exon 29 of the FBN2 gene (NM_001999.3) The E1265K variant has not been published as a mutation or as a benign polymorphism to our knowledge. The E1265K variant was not observed in approximately 6,500 individuals of European and African American ancestry in the NHLBI Exome Sequencing Project, indicating it is not a common benign variant in these populations. E1265K results in a non-conservative amino acid substitution of a negatively charged Glutamic acid with a positively charged Lysine at a position that is highly conserved across species. In silico analysis is inconsistent in its predictions as to whether or not the variant is damaging to the protein structure/function. Mutations in nearby residues (C1257W, C1268R, G1271A) have been reported in association with congenital contractural arachnodactyly, supporting the functional importance of this region of the protein. Therefore, based on the currently available information, it is unclear whether this variant is a pathogenic mutation or a rare benign variant. This variant was found in TAADV2-1,TAAD

Literature cited by the submitters: PubMed 25944730 (cited by Ambry Genetics).

NM_001999.4(FBN2):c.3793G>A (p.Glu1265Lys)

Gene: FBN2 (fibrillin 2; minus strand). Cytogenetic location: 5q23.3.
Variant type: single nucleotide variant.
Coding change: c.3793G>A on transcript NM_001999.4 (MANE Select); coding-DNA position 3793, G replaced by A.
Protein change: p.Glu1265Lys; replaces glutamic acid 1265 with lysine.
Molecular consequence: missense variant.
Genome position (GRCh38, 1-based): chr5:128,335,509, C>T on the plus strand (G>A on the coding strand, the complement: FBN2 is on the minus strand). VCF-style: chr5-128335509-C-T. GRCh37 (hg19) VCF-style: chr5-127671201-C-T.
Other names: short protein forms E1265K.
Identifiers: ClinVar variation 213321 (VCV000213321.12), dbSNP rs776031352, ClinGen allele CA321025.
Genomic context (GRCh38, chr5:128,335,509, plus strand): 5'-CTATACCTGCACACGATCTCCCATCTGGCATCAGGGCATAACCCTCACTGCAGCTGCATT[C>T]GTAGCTTCCCTCTGAATTTGTGCACTGGGTGTCACAGCCTCCGTTCATTATCATACATTC-3'
Protein context (NP_001990.2, residues 1255-1275): TQCTNSEGSY[Glu1265Lys]CSCSEGYALM